The following is an entry in ClinVar:

NM_000400.4(ERCC2):c.1832-6C>T

Gene: ERCC2 (ERCC excision repair 2, TFIIH core complex helicase subunit; minus strand). Cytogenetic location: 19q13.32.
Variant type: single nucleotide variant.
Coding change: c.1832-6C>T on transcript NM_000400.4 (MANE Select); 6 bases into the intron before coding-DNA position 1832, C replaced by T.
Molecular consequence: intron variant.
Genome position (GRCh38, 1-based): chr19:45,352,822, G>A on the plus strand (C>T on the coding strand, the complement: ERCC2 is on the minus strand). VCF-style: chr19-45352822-G-A. GRCh37 (hg19) VCF-style: chr19-45856080-G-A.
Identifiers: ClinVar variation 783844 (VCV000783844.43), dbSNP rs1799789, ClinGen allele CA9513029.

ClinVar aggregate classification (germline): Benign/Likely benign. Review status: criteria provided, multiple submitters, no conflicts (2 of 4 stars). 7 submissions from 7 submitters: Benign (2); Likely benign (4). 1 of the submissions does not count toward it. Last evaluated 2026-03-16.

Conditions:
ERCC2-related disorder. Also called: ERCC2-related conditions; ERCC2-related condition; ERCC2-related disorders. Identifiers: MedGen CN239291.
Xeroderma pigmentosum (XP). Identifiers: Orphanet 910, MedGen C0043346, MONDO:0019600.
Xeroderma pigmentosum, group D (XPD). Also called: XERODERMA PIGMENTOSUM IV; XP, GROUP D; XP, GROUP H; ERCC2-Related Xeroderma Pigmentosum; XERODERMA PIGMENTOSUM, COMPLEMENTATION GROUP D. Identifiers: MedGen C0268138, MONDO:0010212, OMIM 278730.

Allele frequency attached by ClinVar (database versions not stated): gnomAD exomes 0.00020 and 0.00063; ExAC 0.00070; gnomAD 0.00197 and 0.00211; ESP Exome Variant Server 0.00231; TOPMed 0.00255; 1000 Genomes Project 0.00300; 1000 Genomes Project 30x 0.00375.
gnomAD v4.1: 618 of 1,613,610 alleles (0.038%); highest among the groups gnomAD compares: African/African-American, 0.72%; 5 homozygotes.

Submissions (7):

Dasa
Classification: Likely benign. Last evaluated: 2026-03-16. Review status: criteria provided, single submitter. Criteria: DASA Assertion Criteria. Collection method: clinical testing. Allele origin: germline.
Comment: NM_000400.4(ERCC2):c.1832-6C>T is a splice-region variant predicted to affect normal RNA splicing. Multiple computational predictions suggest no deleterious effect on the gene or gene product. The variant is present at low frequency in population datasets. Based on the available data, this variant is classified as likely benign.

Labcorp Genetics (formerly Invitae), Labcorp
Classification: Benign. Last evaluated: 2026-01-28. Review status: criteria provided, single submitter. Criteria: Invitae Variant Classification Sherloc (09022015). Collection method: clinical testing. Allele origin: germline.

CeGaT Center for Human Genetics Tuebingen
Classification: Likely benign. Last evaluated: 2022-09-01. Review status: criteria provided, single submitter. Criteria: CeGaT Center For Human Genetics Tuebingen Variant Classification Criteria Version 2. Collection method: clinical testing. Allele origin: germline. Affected: yes. Observed: 1 variant allele.
Comment: ERCC2: BP4, BS2

GeneDx
Classification: Likely benign. Last evaluated: 2021-05-11. Review status: criteria provided, single submitter. Criteria: GeneDx Variant Classification Process June 2021. Collection method: clinical testing. Allele origin: germline. Affected: yes.
Comment: This variant is associated with the following publications: (PMID: 15682379)

Sema4
Classification: Benign for Xeroderma pigmentosum. Last evaluated: 2020-10-23. Review status: criteria provided, single submitter. Criteria: Sema4 Curation Guidelines. Collection method: curation. Allele origin: germline.

Illumina Laboratory Services, Illumina
Classification: Likely benign for Xeroderma pigmentosum, group D. Last evaluated: 2018-01-12. Review status: criteria provided, single submitter. Criteria: ICSL Variant Classification Criteria 13 December 2019. Collection method: clinical testing. Allele origin: germline.
Comment: This variant was observed in the ICSL laboratory as part of a predisposition screen in an ostensibly healthy population. It had not been previously curated by ICSL or reported in the Human Gene Mutation Database (HGMD: prior to June 1st, 2018), and was therefore a candidate for classification through an automated scoring system. Utilizing variant allele frequency, disease prevalence and penetrance estimates, and inheritance mode, an automated score was calculated to assess if this variant is too frequent to cause the disease. Based on the score and internal cut-off values, a variant classified as likely benign is not then subjected to further curation. The score for this variant resulted in a classification of likely benign for this disease.

PreventionGenetics, part of Exact Sciences
Classification: Benign for ERCC2-related condition. Last evaluated: 2019-11-21. Review status: no assertion criteria provided. Collection method: clinical testing. Allele origin: germline. Not counted in ClinVar's aggregate classification.
Comment: This variant is classified as benign based on ACMG/AMP sequence variant interpretation guidelines (Richards et al. 2015 PMID: 25741868, with internal and published modifications).